The following is an entry in ClinVar:

ClinVar aggregate classification (germline): Uncertain significance (1 of 4 stars; one submission).

Conditions:
Inborn genetic diseases. Identifiers: MedGen C0950123, MeSH D030342.

Submission:

Ambry Genetics
Classification: Uncertain significance for Inborn genetic diseases. Last evaluated: 2026-04-13. Review status: criteria provided, single submitter. Criteria: Ambry Variant Classification Scheme 2023. Collection method: clinical testing. Allele origin: germline.
Comment: The p.T925K variant (also known as c.2774C>A), located in coding exon 14 of the FANCM gene, results from a C to A substitution at nucleotide position 2774. The threonine at codon 925 is replaced by lysine, an amino acid with similar properties. This amino acid position is conserved. In addition, this alteration is predicted to be tolerated by in silico analysis. Based on the available evidence, the clinical significance of this variant remains unclear.

NM_020937.4(FANCM):c.2774C>A (p.Thr925Lys)

Gene: FANCM (FA complementation group M; plus strand). Cytogenetic location: 14q21.2.
Variant type: single nucleotide variant.
Coding change: c.2774C>A on transcript NM_020937.4 (MANE Select); coding-DNA position 2774, C replaced by A.
Protein change: p.Thr925Lys; replaces threonine 925 with lysine.
Molecular consequence: missense variant.
Genome position (GRCh38, 1-based): chr14:45,175,528, C>A. VCF-style: chr14-45175528-C-A. GRCh37 (hg19) VCF-style: chr14-45644731-C-A.
Other names: c.2696C>A, p.Thr899Lys (NM_001308133.2); short protein forms T899K, T925K.
Identifiers: ClinVar variation 4871083 (VCV004871083.1).